The following is an entry in ClinVar:

ClinVar aggregate classification (germline): Uncertain significance. Review status: criteria provided, multiple submitters, no conflicts (2 of 4 stars). 2 submissions from 2 submitters: Uncertain significance (2). Last evaluated 2022-07-11.

Conditions:
Hereditary cancer-predisposing syndrome. Also called: Hereditary Cancer Syndrome; Hereditary neoplastic syndrome; Tumor predisposition; Neoplastic Syndromes, Hereditary. Identifiers: Orphanet 140162, MedGen C0027672, MeSH D009386, MONDO:0015356.

Submissions (2):

Labcorp Genetics (formerly Invitae), Labcorp
Classification: Uncertain significance. Last evaluated: 2022-07-11. Review status: criteria provided, single submitter. Criteria: Invitae Variant Classification Sherloc (09022015). Collection method: clinical testing. Allele origin: germline.
Comment: This sequence change replaces alanine, which is neutral and non-polar, with proline, which is neutral and non-polar, at codon 788 of the POLE protein (p.Ala788Pro). This variant is not present in population databases (gnomAD no frequency). This variant has not been reported in the literature in individuals affected with POLE-related conditions. ClinVar contains an entry for this variant (Variation ID: 842356). Algorithms developed to predict the effect of missense changes on protein structure and function are either unavailable or do not agree on the potential impact of this missense change (SIFT: "Tolerated"; PolyPhen-2: "Possibly Damaging"; Align-GVGD: "Class C0"). In summary, the available evidence is currently insufficient to determine the role of this variant in disease. Therefore, it has been classified as a Variant of Uncertain Significance.

Ambry Genetics
Classification: Uncertain significance for Hereditary cancer-predisposing syndrome. Last evaluated: 2021-10-09. Review status: criteria provided, single submitter. Criteria: Ambry Variant Classification Scheme 2023. Collection method: clinical testing. Allele origin: germline.
Comment: The p.A788P variant (also known as c.2362G>C), located in coding exon 21 of the POLE gene, results from a G to C substitution at nucleotide position 2362. The alanine at codon 788 is replaced by proline, an amino acid with highly similar properties. This amino acid position is conserved. In addition, the in silico prediction for this alteration is inconclusive. Since supporting evidence is limited at this time, the clinical significance of this alteration remains unclear.

NM_006231.4(POLE):c.2362G>C (p.Ala788Pro)

Gene: POLE (DNA polymerase epsilon, catalytic subunit; minus strand). Cytogenetic location: 12q24.33.
Variant type: single nucleotide variant.
Coding change: c.2362G>C on transcript NM_006231.4 (MANE Select); coding-DNA position 2362, G replaced by C.
Protein change: p.Ala788Pro; replaces alanine 788 with proline.
Molecular consequence: missense variant.
Genome position (GRCh38, 1-based): chr12:132,665,408, C>G on the plus strand (G>C on the coding strand, the complement: POLE is on the minus strand). VCF-style: chr12-132665408-C-G. GRCh37 (hg19) VCF-style: chr12-133241994-C-G.
Other names: short protein forms A788P.
Identifiers: ClinVar variation 842356 (VCV000842356.12), dbSNP rs896350761, ClinGen allele CA387397701.
Genomic context (GRCh38, chr12:132,665,408, plus strand): 5'-GGGCCAGCTGCAGCGAGTCATACAGCACCTCCATGTTCTTGCAGCGCTTCACCTCAGCCG[C>G]GTCGCCCACCTCCACGGCCGCCGAGAGCTTCTTTTTCCACACCTGAGAAGCACATGAACA-3'
Protein context (NP_006222.2, residues 778-798): KLSAAVEVGD[Ala788Pro]AEVKRCKNME